The following is an entry in ClinVar:

ClinVar aggregate classification (germline): Pathogenic (1 of 4 stars; one submission).

Conditions:
Glycogen storage disease type III (GSD3). Also called: FORBES DISEASE; Cori disease. Identifiers: Orphanet 366, MedGen C0017922, MONDO:0009291, OMIM 232400.

Submission:

Labcorp Genetics (formerly Invitae), Labcorp
Classification: Pathogenic for Glycogen storage disease type III. Last evaluated: 2022-08-10. Review status: criteria provided, single submitter. Criteria: Invitae Variant Classification Sherloc (09022015). Collection method: clinical testing. Allele origin: germline.
Comment: For these reasons, this variant has been classified as Pathogenic. This variant disrupts a region of the AGL protein in which other variant(s) (p.Tyr1510*) have been determined to be pathogenic (PMID: 8990006, 20071996, 20490926, 23430490). This suggests that this is a clinically significant region of the protein, and that variants that disrupt it are likely to be disease-causing. This variant has not been reported in the literature in individuals affected with AGL-related conditions. This variant is not present in population databases (gnomAD no frequency). This sequence change creates a premature translational stop signal (p.Pro1501Glnfs*3) in the AGL gene. While this is not anticipated to result in nonsense mediated decay, it is expected to disrupt the last 32 amino acid(s) of the AGL protein.

Literature cited by the submitters: PubMed 8990006; PubMed 20071996; PubMed 20490926; PubMed 23430490.

NM_000642.3(AGL):c.4500del (p.Pro1501fs)

Gene: AGL (amylo-alpha-1,6-glucosidase and 4-alpha-glucanotransferase; plus strand). Cytogenetic location: 1p21.2.
Variant type: Deletion.
Coding change: c.4500del on transcript NM_000642.3 (MANE Select); coding-DNA position 4500, one base deleted (T; older notation c.4500delT).
Protein change: p.Pro1501fs; shifts the reading frame from proline 1501.
Molecular consequence: frameshift variant.
Genome position (GRCh38, 1-based): chr1:99,921,552, T deleted; the last of 2 consecutive T bases (chr1:99,921,551-99,921,552); deleting either gives the same sequence. VCF-style (leftmost placement, unchanged base first): chr1-99921550-CT-C. GRCh37 (hg19) VCF-style: chr1-100387106-CT-C.
Other names: c.4500delT, p.Pro1501Glnfs (NM_000028.3, NM_000643.3, NM_000644.3 and 1 more transcripts); c.4452delT, p.Pro1485Glnfs (NM_000646.3); c.4479delT, p.Pro1494Glnfs (NM_001425326.1); c.4299delT, p.Pro1434Glnfs (NM_001425327.1); c.4296delT, p.Pro1433Glnfs (NM_001425328.1); c.4161delT, p.Pro1388Glnfs (NM_001425329.1); c.4122delT, p.Pro1375Glnfs (NM_001425332.1); short protein forms P1501fs, P1485fs.
Identifiers: ClinVar variation 2023348 (VCV002023348.4), dbSNP rs1258050336, ClinGen allele CA741024453.